The following is an entry in ClinVar:

NM_024422.6(DSC2):c.676C>T (p.Pro226Ser)

Gene: DSC2 (desmocollin 2; minus strand). Cytogenetic location: 18q12.1.
Variant type: single nucleotide variant.
Coding change: c.676C>T on transcript NM_024422.6 (MANE Select); coding-DNA position 676, C replaced by T.
Protein change: p.Pro226Ser; replaces proline 226 with serine.
Molecular consequence: missense variant.
Genome position (GRCh38, 1-based): chr18:31,087,768, G>A on the plus strand (C>T on the coding strand, the complement: DSC2 is on the minus strand). VCF-style: chr18-31087768-G-A. GRCh37 (hg19) VCF-style: chr18-28667731-G-A.
Other names: c.676C>T, p.Pro226Ser (NM_004949.5); short protein forms P226S.
Identifiers: ClinVar variation 921138 (VCV000921138.6), dbSNP rs1987453023, ClinGen allele CA402112995.

ClinVar aggregate classification (germline): Uncertain significance. Review status: criteria provided, multiple submitters, no conflicts (2 of 4 stars). 2 submissions from 2 submitters: Uncertain significance (2). Last evaluated 2024-03-06.

Conditions:
Cardiomyopathy (CMYO). Also called: Cardiomyopathies. Identifiers: Orphanet 167848, MedGen C0878544, MONDO:0004994, HP:0001638. Inheritance: Various modes of inheritance.
Familial isolated arrhythmogenic right ventricular dysplasia. Identifiers: Orphanet 217656, MedGen C4274968, MONDO:0016342.

Submissions (2):

Color Diagnostics, LLC DBA Color Health
Classification: Uncertain significance for Cardiomyopathy. Last evaluated: 2024-03-06. Review status: criteria provided, single submitter. Criteria: ACMG Guidelines, 2015. Collection method: clinical testing. Allele origin: germline.
Comment: This missense variant replaces proline with serine at codon 226 of the DSC2 protein. Computational prediction suggests that this variant may not impact protein structure and function (internally defined REVEL score threshold <= 0.5, PMID: 27666373). To our knowledge, functional studies have not been reported for this variant. This variant has not been reported in individuals affected with cardiovascular disorders in the literature. This variant has not been identified in the general population by the Genome Aggregation Database (gnomAD). The available evidence is insufficient to determine the role of this variant in disease conclusively. Therefore, this variant is classified as a Variant of Uncertain Significance.

All of Us Research Program, National Institutes of Health
Classification: Uncertain significance for Familial isolated arrhythmogenic right ventricular dysplasia. Last evaluated: 2023-09-17. Review status: criteria provided, single submitter. Criteria: ACMG Guidelines, 2015. Collection method: clinical testing. Allele origin: germline. Inheritance: Autosomal dominant inheritance. Observed: 1 variant allele, 1 heterozygote.
Comment: This missense variant replaces proline with serine at codon 226 of the DSC2 protein. Computational prediction suggests that this variant may not impact protein structure and function (internally defined REVEL score threshold <= 0.5, PMID: 27666373). Splice site prediction tools suggest that this variant may not impact RNA splicing. To our knowledge, functional studies have not been performed for this variant. This variant has not been reported in individuals affected with cardiovascular disorders in the literature. This variant has not been identified in the general population by the Genome Aggregation Database (gnomAD). The available evidence is insufficient to determine the role of this variant in disease conclusively. Therefore, this variant is classified as a Variant of Uncertain Significance.

This study involves interpretation of variants in research participants for the purpose of population health screening. Participant phenotype was not available at the time of variant classification. Additional details can be found in publication PMID: 35346344, PMCID: PMC8962531